The following is an entry in ClinVar:

NM_001113378.2(FANCI):c.2572C>G (p.His858Asp)

Gene: FANCI (FA complementation group I; plus strand). Cytogenetic location: 15q26.1.
Variant type: single nucleotide variant.
Coding change: c.2572C>G on transcript NM_001113378.2 (MANE Select); coding-DNA position 2572, C replaced by G.
Protein change: p.His858Asp; replaces histidine 858 with aspartic acid.
Molecular consequence: missense variant. On other transcripts: intron variant (1).
Genome position (GRCh38, 1-based): chr15:89,295,030, C>G. VCF-style: chr15-89295030-C-G. GRCh37 (hg19) VCF-style: chr15-89838261-C-G.
Other names: c.2293C>G, p.His765Asp (NM_001376910.1); c.2572C>G, p.His858Asp (NM_001376911.1); c.2456+1033C>G (NM_018193.3); short protein forms H765D, H858D.
Identifiers: ClinVar variation 937809 (VCV000937809.8), dbSNP rs1361710673, ClinGen allele CA393750965.

ClinVar aggregate classification (germline): Uncertain significance (1 of 4 stars; one submission).

Conditions:
Fanconi anemia (FA). Also called: Fanconi's anemia. Identifiers: Orphanet 84, MedGen C0015625, MeSH D005199, MONDO:0019391.

Allele frequency attached by ClinVar (database versions not stated): gnomAD exomes below 0.00001 and 0.00001.
gnomAD v4.1: 1 of 1,552,246 alleles (0.000064%); highest among the groups gnomAD compares: East Asian, 0.0024%; no homozygotes.

Submission:

Labcorp Genetics (formerly Invitae), Labcorp
Classification: Uncertain significance for Fanconi anemia. Last evaluated: 2019-06-21. Review status: criteria provided, single submitter. Criteria: Invitae Variant Classification Sherloc (09022015). Collection method: clinical testing. Allele origin: germline.
Comment: This variant is not present in population databases (ExAC no frequency). This variant has not been reported in the literature in individuals with FANCI-related conditions. Algorithms developed to predict the effect of missense changes on protein structure and function (SIFT, PolyPhen-2, Align-GVGD) all suggest that this variant is likely to be tolerated, but these predictions have not been confirmed by published functional studies and their clinical significance is uncertain. In summary, the available evidence is currently insufficient to determine the role of this variant in disease. Therefore, it has been classified as a Variant of Uncertain Significance. This sequence change replaces histidine with aspartic acid at codon 858 of the FANCI protein (p.His858Asp). The histidine residue is weakly conserved and there is a moderate physicochemical difference between histidine and aspartic acid.